The following is an entry in ClinVar:

NM_001077365.2(POMT1):c.987-2A>G

Gene: POMT1 (protein O-mannosyltransferase 1; plus strand). Cytogenetic location: 9q34.13.
Variant type: single nucleotide variant.
Coding change: c.987-2A>G on transcript NM_001077365.2 (MANE Select); the canonical splice acceptor site of the intron before coding-DNA position 987, A replaced by G.
Molecular consequence: splice acceptor variant. On other transcripts: intron variant (1).
Genome position (GRCh38, 1-based): chr9:131,512,039, A>G. VCF-style: chr9-131512039-A-G. GRCh37 (hg19) VCF-style: chr9-134387426-A-G.
Other names: c.891-2A>G (NM_001353198.2, NM_001353197.2); c.1053-2A>G (NM_001353193.2, NM_007171.4); c.987-2A>G (NM_001136113.2, NM_001374690.1); c.825-2A>G (NM_001353194.2, NM_001077366.2); c.636-2A>G (NM_001374691.1, NM_001353195.2, NM_001374692.1 and 1 more transcripts); c.897-2A>G (NM_001353196.2); c.597-2A>G (NM_001374695.1); c.975-2A>G (NM_001374689.1); and 4 more.
Identifiers: ClinVar variation 2015225 (VCV002015225.4), dbSNP rs1453773610, ClinGen allele CA375308734.

ClinVar aggregate classification (germline): Likely pathogenic (1 of 4 stars; one submission).

Conditions:
Walker-Warburg congenital muscular dystrophy. Also called: Muscular dystrophy-dystroglycanopathy, type A; Walker-Warburg syndrome. Identifiers: Orphanet 899, MedGen C0265221, MONDO:0000171.
Muscular dystrophy-dystroglycanopathy (congenital with impaired intellectual development), type B, 1. Also called: MUSCULAR DYSTROPHY, CONGENITAL, POMT1-RELATED; Muscular dystrophy-dystroglycanopathy (congenital with intellectual disability), type B1. Identifiers: MedGen C5436962, MONDO:0013159, OMIM 613155.
Autosomal recessive limb-girdle muscular dystrophy type 2K. Also called: MUSCULAR DYSTROPHY-DYSTROGLYCANOPATHY (LIMB-GIRDLE), TYPE C, 1; MUSCULAR DYSTROPHY, LIMB-GIRDLE, TYPE 2K. Identifiers: Orphanet 86812, MedGen C1836373, MONDO:0012248, OMIM 609308.

Submission:

Labcorp Genetics (formerly Invitae), Labcorp
Classification: Likely pathogenic for Muscular dystrophy-dystroglycanopathy (congenital with impaired intellectual development), type B, 1; Walker-Warburg congenital muscular dystrophy; Autosomal recessive limb-girdle muscular dystrophy type 2K. Last evaluated: 2023-01-22. Review status: criteria provided, single submitter. Criteria: Invitae Variant Classification Sherloc (09022015). Collection method: clinical testing. Allele origin: germline.
Comment: This variant has not been reported in the literature in individuals affected with POMT1-related conditions. This variant is not present in population databases (gnomAD no frequency). This sequence change affects an acceptor splice site in intron 10 of the POMT1 gene. It is expected to disrupt RNA splicing. Variants that disrupt the donor or acceptor splice site typically lead to a loss of protein function (PMID: 16199547), and loss-of-function variants in POMT1 are known to be pathogenic (PMID: 12369018, 15637732, 16575835). Algorithms developed to predict the effect of sequence changes on RNA splicing suggest that this variant may disrupt the consensus splice site. In summary, the currently available evidence indicates that the variant is pathogenic, but additional data are needed to prove that conclusively. Therefore, this variant has been classified as Likely Pathogenic.

Literature cited by the submitters: PubMed 16199547; PubMed 12369018; PubMed 15637732; PubMed 16575835.